The following is an entry in ClinVar:

ClinVar aggregate classification (germline): Uncertain significance. Review status: criteria provided, single submitter (1 of 4 stars). 4 submissions from 3 submitters: Uncertain significance (1). 3 of the submissions do not count toward it. Last evaluated 2020-04-06.

Conditions:
Erythrocytosis, familial, 7. Also called: ERYTHROCYTOSIS, ALPHA-GLOBIN TYPE; POLYCYTHEMIA, ALPHA-GLOBIN TYPE; ERYTHROCYTOSIS 7. Identifiers: MedGen C4693823, MONDO:0054802, OMIM 617981.
alpha Thalassemia. Also called: Alpha thalassemia spectrum. Identifiers: Orphanet 846, MedGen C0002312, MONDO:0011399, OMIM 604131.
HEMOGLOBIN SWAN RIVER.

Submissions (4):

ARUP Laboratories, Molecular Genetics and Genomics, ARUP Laboratories
Classification: Uncertain significance. Last evaluated: 2020-04-06. Review status: criteria provided, single submitter. Criteria: ARUP Molecular Germline Variant Investigation Process. Collection method: clinical testing. Allele origin: germline.
Comment: The Hb Swan River variant (HBA1: c.20A>G; p.Asp7Gly, also known as Asp6Gly when numbered from the mature protein, rs33986902) is reported in the literature in normal individuals, as well as an individual with erythrocytosis (Como 1989, Harano 1996, HbVar database and references therein). This variant is absent from general population databases (Exome Variant Server, Genome Aggregation Database), indicating it is not a common polymorphism. The aspartate at codon 7 is highly conserved, and computational analyses (SIFT, PolyPhen-2) predict that this variant is deleterious. Isopropanol precipitation gives conflicting results, with one study suggesting slight instability and another report suggesting normal stability (Como 1989, Harano 1996). Due to limited information, the clinical significance of the Hb Swan River variant is uncertain at this time. References: HbVar link to Hb Swan River: Como PF et al. Hb Swan River [alpha 6(A4) Asp----Gly] initial identification in an Australian family. Hemoglobin. 1989;13(4):393-6. Harano T et al. HB Swan River [alpha 6(A4)ASP-->Gly] observed in a Japanese man. Hemoglobin. 1996 Feb;20(1):75-8.

Natera, Inc.
Classification: Uncertain significance for Alpha thalassemia. Last evaluated: 2021-09-21. Review status: no assertion criteria provided. Collection method: clinical testing. Allele origin: germline. Not counted in ClinVar's aggregate classification.

OMIM
Classification: other for HEMOGLOBIN SWAN RIVER. Last evaluated: 2019-11-01. Review status: no assertion criteria provided. Collection method: literature only. Allele origin: germline. Not counted in ClinVar's aggregate classification.

OMIM
Classification: Pathogenic for ERYTHROCYTOSIS 7. Last evaluated: 1996-02-01. Review status: no assertion criteria provided. Collection method: literature only. Allele origin: germline. Not counted in ClinVar's aggregate classification.

Literature cited by the submitters: PubMed 3583768 (cited by OMIM); PubMed 8745434 (cited by OMIM).

NM_000558.3(HBA1):c.20A>G (p.Asp7Gly)

Genes: HBA1 (hemoglobin subunit alpha 1; plus strand), LOC106804613 (hemoglobin subunit alpha 1 recombination region; plus strand). Cytogenetic location: 16p13.3.
Variant type: single nucleotide variant.
Coding change: c.20A>G on transcript NM_000558.3; coding-DNA position 20, A replaced by G.
Protein change: p.Asp7Gly; replaces aspartic acid 7 with glycine.
Molecular consequence: missense variant (on NM_000558.5).
Genome position (GRCh38, 1-based): chr16:176,736, A>G. VCF-style: chr16-176736-A-G. GRCh37 (hg19) VCF-style: chr16-226735-A-G.
Other names: D6G; c.20A>G, p.Asp7Gly (NM_000558.5); short protein forms D7G.
Identifiers: ClinVar variation 15822 (VCV000015822.11), dbSNP rs33986902, ClinGen allele CA125903.